The following is an entry in ClinVar:

NM_153676.4(USH1C):c.552T>G (p.Tyr184Ter)

Gene: USH1C (USH1 protein network component harmonin; minus strand). Cytogenetic location: 11p15.1.
Variant type: single nucleotide variant.
Coding change: c.552T>G on transcript NM_153676.4 (MANE Select); coding-DNA position 552, T replaced by G.
Protein change: p.Tyr184Ter; replaces tyrosine 184 with a stop codon.
Molecular consequence: nonsense. On other transcripts: non-coding transcript variant (1).
Genome position (GRCh38, 1-based): chr11:17,526,780, A>C on the plus strand (T>G on the coding strand, the complement: USH1C is on the minus strand). VCF-style: chr11-17526780-A-C. GRCh37 (hg19) VCF-style: chr11-17548327-A-C.
Other names: c.552T>G, p.Tyr184Ter (NM_001297764.2, NM_001440680.1, NM_001440681.1 and 5 more transcripts); c.585T>G, p.Tyr195Ter (NM_001440679.1, NM_001440684.1, NM_001440686.1); short protein forms Y184*, Y195*.
Identifiers: ClinVar variation 5012972 (VCV005012972.1).

ClinVar aggregate classification (germline): Pathogenic (1 of 4 stars; one submission).

Conditions:
Usher syndrome type 1C. Also called: USHER SYNDROME, TYPE I, ACADIAN VARIETY. Identifiers: Orphanet 231169, Orphanet 886, MedGen C1848604, MONDO:0010171, OMIM 276904.

gnomAD v4.1: 1 of 1,614,140 alleles (0.000062%); highest among the groups gnomAD compares: Non-Finnish European, 0.000085%; no homozygotes.

Submission:

Myriad Genetics, Inc.
Classification: Pathogenic for Usher syndrome type 1C. Last evaluated: 2024-04-29. Review status: criteria provided, single submitter. Criteria: Myriad Autosomal Dominant, Autosomal Recessive and X-Linked Classification Criteria (2023). Collection method: clinical testing. Allele origin: unknown.
Comment: NM_005709.3(USH1C):c.552T>G(Y184*) is expected to be pathogenic in the context of USH1C-related disorders. This variant is predicted to lead to an abnormal or absent protein product due to the creation of a premature termination codon in USH1C, a gene where loss-of-function variants are known to be pathogenic. Please note: this variant was assessed in the context of healthy population screening.